The following is an entry in ClinVar:

ClinVar aggregate classification (germline): Uncertain significance (1 of 4 stars; one submission).

Conditions:
Malignant hyperthermia, susceptibility to, 5 (MHS5). Also called: CACNA1S-Related Malignant Hyperthermia Susceptibility. Identifiers: Orphanet 423, MedGen C1866077, MONDO:0011163, OMIM 601887.

Submission:

All of Us Research Program, National Institutes of Health
Classification: Uncertain significance for Malignant hyperthermia, susceptibility to, 5. Last evaluated: 2023-05-04. Review status: criteria provided, single submitter. Criteria: ACMG Guidelines, 2015. Collection method: clinical testing. Allele origin: germline. Inheritance: Autosomal dominant inheritance. Observed: 1 variant allele, 1 heterozygote.
Comment: This missense variant replaces methionine with lysine at codon 1005 of the CACNA1S protein. Computational prediction suggests that this variant may have deleterious impact on protein structure and function (internally defined REVEL score threshold >= 0.7, PMID: 27666373). To our knowledge, functional studies have not been reported for this variant. This variant has not been reported in individuals affected with CACNA1S-related disorders in the literature. This variant has not been identified in the general population by the Genome Aggregation Database (gnomAD). The available evidence is insufficient to determine the role of this variant in disease conclusively. Therefore, this variant is classified as a Variant of Uncertain Significance.

This study involves interpretation of variants in research participants for the purpose of population health screening. Participant phenotype was not available at the time of variant classification. Additional details can be found in publication PMID: 35346344, PMCID: PMC8962531

NM_000069.3(CACNA1S):c.3014T>A (p.Met1005Lys)

Gene: CACNA1S (calcium voltage-gated channel subunit alpha1 S; minus strand). Cytogenetic location: 1q32.1.
Variant type: single nucleotide variant.
Coding change: c.3014T>A on transcript NM_000069.3 (MANE Select); coding-DNA position 3014, T replaced by A.
Protein change: p.Met1005Lys; replaces methionine 1005 with lysine.
Molecular consequence: missense variant.
Genome position (GRCh38, 1-based): chr1:201,061,983, A>T on the plus strand (T>A on the coding strand, the complement: CACNA1S is on the minus strand). VCF-style: chr1-201061983-A-T. GRCh37 (hg19) VCF-style: chr1-201031111-A-T.
Other names: short protein forms M1005K.
Identifiers: ClinVar variation 3070642 (VCV003070642.1), dbSNP rs2464501025, ClinGen allele CA344163289.